The following is an entry in ClinVar:

NM_001447.3(FAT2):c.9524T>C (p.Leu3175Pro)

Genes: FAT2 (FAT atypical cadherin 2; minus strand), SLC36A1 (solute carrier family 36 member 1; plus strand). Cytogenetic location: 5q33.1.
Variant type: single nucleotide variant.
Coding change: c.9524T>C on transcript NM_001447.3 (MANE Select); coding-DNA position 9524, T replaced by C.
Protein change: p.Leu3175Pro; replaces leucine 3175 with proline.
Molecular consequence: missense variant.
Genome position (GRCh38, 1-based): chr5:151,531,874, A>G on the plus strand (T>C on the coding strand, the complement: FAT2 is on the minus strand). VCF-style: chr5-151531874-A-G. GRCh37 (hg19) VCF-style: chr5-150911435-A-G.
Other names: c.9524T>C (NM_001447.2); short protein forms L3175P.
Identifiers: ClinVar variation 2198724 (VCV002198724.22), dbSNP rs774864012, ClinGen allele CA3520518.
Genomic context (GRCh38, chr5:151,531,874, plus strand): 5'-GGGGTGCCCAGGTCAGAGGCACGGACCGTGAGCTCCAGTGGTGCCTGGGGCCTGACCTGC[A>G]GCGGCTTTTCCAGGCGGATCACCCCCGTGGTGGCGTCGATGGAAAAGTGGCCTTCGGCTG-3'
Protein context (NP_001438.1, residues 3165-3185): TTGVIRLEKP[Leu3175Pro]QVRPQAPLEL

ClinVar aggregate classification (germline): Conflicting classifications of pathogenicity. Review status: criteria provided, conflicting classifications (1 of 4 stars). 3 submissions from 3 submitters: Uncertain significance (2); Likely benign (1). Last evaluated 2025-12-15.

Allele frequency attached by ClinVar (database versions not stated): ExAC 0.00003; gnomAD exomes 0.00005; TOPMed 0.00005; gnomAD 0.00007.
gnomAD v4.1: 81 of 1,614,086 alleles (0.005%); highest among the groups gnomAD compares: Middle Eastern, 0.5%; no homozygotes.

Submissions (3):

Ambry Genetics
Classification: Uncertain significance. Last evaluated: 2025-12-15. Review status: criteria provided, single submitter. Criteria: Ambry Variant Classification Scheme 2023. Collection method: clinical testing. Allele origin: germline.

Labcorp Genetics (formerly Invitae), Labcorp
Classification: Uncertain significance. Last evaluated: 2025-02-19. Review status: criteria provided, single submitter. Criteria: Invitae Variant Classification Sherloc (09022015). Collection method: clinical testing. Allele origin: germline.
Comment: This sequence change replaces leucine, which is neutral and non-polar, with proline, which is neutral and non-polar, at codon 3175 of the FAT2 protein (p.Leu3175Pro). This variant is present in population databases (rs774864012, gnomAD 0.007%). This variant has not been reported in the literature in individuals affected with FAT2-related conditions. ClinVar contains an entry for this variant (Variation ID: 2198724). Invitae Evidence Modeling of protein sequence and biophysical properties (such as structural, functional, and spatial information, amino acid conservation, physicochemical variation, residue mobility, and thermodynamic stability) has been performed for this missense variant. However, the output from this modeling did not meet the statistical confidence thresholds required to predict the impact of this variant on FAT2 protein function. In summary, the available evidence is currently insufficient to determine the role of this variant in disease. Therefore, it has been classified as a Variant of Uncertain Significance.

CeGaT Center for Human Genetics Tuebingen
Classification: Likely benign. Last evaluated: 2024-07-01. Review status: criteria provided, single submitter. Criteria: CeGaT Center For Human Genetics Tuebingen Variant Classification Criteria Version 2. Collection method: clinical testing. Allele origin: germline. Affected: yes. Observed: 1 variant allele.
Comment: FAT2: BS1